The following is an entry in ClinVar:

ClinVar aggregate classification (germline): Benign/Likely benign. Review status: criteria provided, multiple submitters, no conflicts (2 of 4 stars). 2 submissions from 2 submitters: Benign (1); Likely benign (1). Last evaluated 2025-11-15.

Allele frequency attached by ClinVar (database versions not stated): ExAC 0.00001; TOPMed 0.00006; gnomAD 0.00007.
gnomAD v4.1: 27 of 1,611,262 alleles (0.0017%); highest among the groups gnomAD compares: African/African-American, 0.023%; no homozygotes.

Submissions (2):

Labcorp Genetics (formerly Invitae), Labcorp
Classification: Benign. Last evaluated: 2025-11-15. Review status: criteria provided, single submitter. Criteria: Invitae Variant Classification Sherloc (09022015). Collection method: clinical testing. Allele origin: germline.

CeGaT Center for Human Genetics Tuebingen
Classification: Likely benign. Last evaluated: 2023-05-01. Review status: criteria provided, single submitter. Criteria: CeGaT Center For Human Genetics Tuebingen Variant Classification Criteria Version 2. Collection method: clinical testing. Allele origin: germline. Affected: yes. Observed: 1 variant allele.
Comment: MTOR: PP2, BP4, BS1

NM_004958.4(MTOR):c.5494G>A (p.Ala1832Thr)

Gene: MTOR (mechanistic target of rapamycin kinase; minus strand). Cytogenetic location: 1p36.22.
Variant type: single nucleotide variant.
Coding change: c.5494G>A on transcript NM_004958.4 (MANE Select); coding-DNA position 5494, G replaced by A.
Protein change: p.Ala1832Thr; replaces alanine 1832 with threonine.
Molecular consequence: missense variant.
Genome position (GRCh38, 1-based): chr1:11,130,648, C>T on the plus strand (G>A on the coding strand, the complement: MTOR is on the minus strand). VCF-style: chr1-11130648-C-T. GRCh37 (hg19) VCF-style: chr1-11190705-C-T.
Other names: c.5494G>A (LRG_734t1); short protein forms A1832T.
Identifiers: ClinVar variation 408300 (VCV000408300.34), dbSNP rs369088781, ClinGen allele CA589333.